The following is an entry in ClinVar:

ClinVar aggregate classification (germline): Uncertain significance (1 of 4 stars; one submission).

Conditions:
Glucose-6-phosphate transport defect (GSD1B). Also called: Glycogen Storage Disease Type Ib; GSD Ib. Identifiers: Orphanet 364, Orphanet 79259, MedGen C0268146, MONDO:0009288, OMIM 232220.

Submission:

Labcorp Genetics (formerly Invitae), Labcorp
Classification: Uncertain significance for Glucose-6-phosphate transport defect. Last evaluated: 2025-05-27. Review status: criteria provided, single submitter. Criteria: Invitae Variant Classification Sherloc (09022015). Collection method: clinical testing. Allele origin: germline.
Comment: This sequence change replaces phenylalanine, which is neutral and non-polar, with serine, which is neutral and polar, at codon 237 of the SLC37A4 protein (p.Phe237Ser). This variant is not present in population databases (gnomAD no frequency). This variant has not been reported in the literature in individuals affected with SLC37A4-related conditions. Invitae Evidence Modeling of protein sequence and biophysical properties (such as structural, functional, and spatial information, amino acid conservation, physicochemical variation, residue mobility, and thermodynamic stability) indicates that this missense variant is not expected to disrupt SLC37A4 protein function with a negative predictive value of 80%. In summary, the available evidence is currently insufficient to determine the role of this variant in disease. Therefore, it has been classified as a Variant of Uncertain Significance.

NM_001164277.2(SLC37A4):c.710T>C (p.Phe237Ser)

Gene: SLC37A4 (solute carrier family 37 member 4; minus strand). Cytogenetic location: 11q23.3.
Variant type: single nucleotide variant.
Coding change: c.710T>C on transcript NM_001164277.2 (MANE Select); coding-DNA position 710, T replaced by C.
Protein change: p.Phe237Ser; replaces phenylalanine 237 with serine.
Molecular consequence: missense variant.
Genome position (GRCh38, 1-based): chr11:119,027,011, A>G on the plus strand (T>C on the coding strand, the complement: SLC37A4 is on the minus strand). VCF-style: chr11-119027011-A-G. GRCh37 (hg19) VCF-style: chr11-118897721-A-G.
Other names: c.710T>C, p.Phe237Ser (NM_001164280.2, NM_001467.6, NM_001164278.2); c.491T>C, p.Phe164Ser (NM_001164279.2); short protein forms F237S, F164S.
Identifiers: ClinVar variation 4746467 (VCV004746467.1).